The following is an entry in ClinVar:

NM_004035.7(ACOX1):c.895A>C (p.Ile299Leu)

Gene: ACOX1 (acyl-CoA oxidase 1; minus strand). Cytogenetic location: 17q25.1.
Variant type: single nucleotide variant.
Coding change: c.895A>C on transcript NM_004035.7 (MANE Select); coding-DNA position 895, A replaced by C.
Protein change: p.Ile299Leu; replaces isoleucine 299 with leucine.
Molecular consequence: missense variant.
Genome position (GRCh38, 1-based): chr17:75,953,500, T>G on the plus strand (A>C on the coding strand, the complement: ACOX1 is on the minus strand). VCF-style: chr17-75953500-T-G. GRCh37 (hg19) VCF-style: chr17-73949581-T-G.
Other names: c.781A>C, p.Ile261Leu (NM_001185039.2); c.895A>C, p.Ile299Leu (NM_007292.6); short protein forms I261L, I299L.
Identifiers: ClinVar variation 4741946 (VCV004741946.1).

ClinVar aggregate classification (germline): Uncertain significance (1 of 4 stars; one submission).

Conditions:
Acyl-CoA oxidase deficiency. Also called: Peroxisomal acyl-CoA oxidase deficiency; STRAIGHT-CHAIN ACYL-CoA OXIDASE DEFICIENCY; Pseudoneonatal adrenoleukodystrophy. Identifiers: Orphanet 2971, MedGen C1849678, MONDO:0009919, OMIM 264470. Disease mechanism: loss of function.

Submission:

Labcorp Genetics (formerly Invitae), Labcorp
Classification: Uncertain significance for Acyl-CoA oxidase deficiency. Last evaluated: 2025-12-14. Review status: criteria provided, single submitter. Criteria: Invitae Variant Classification Sherloc (09022015). Collection method: clinical testing. Allele origin: germline.
Comment: This sequence change replaces isoleucine, which is neutral and non-polar, with leucine, which is neutral and non-polar, at codon 299 of the ACOX1 protein (p.Ile299Leu). This variant is not present in population databases (gnomAD no frequency). This variant has not been reported in the literature in individuals affected with ACOX1-related conditions. Invitae Evidence Modeling of protein sequence and biophysical properties (such as structural, functional, and spatial information, amino acid conservation, physicochemical variation, residue mobility, and thermodynamic stability) indicates that this missense variant is expected to disrupt ACOX1 protein function with a positive predictive value of 80%. In summary, the available evidence is currently insufficient to determine the role of this variant in disease. Therefore, it has been classified as a Variant of Uncertain Significance.